The following is an entry in ClinVar:

NM_000169.3(GLA):c.612G>A (p.Trp204Ter)

Genes: GLA (galactosidase alpha; minus strand), RPL36A-HNRNPH2 (RPL36A-HNRNPH2 readthrough; plus strand). Cytogenetic location: Xq22.1.
Variant type: single nucleotide variant.
Coding change: c.612G>A on transcript NM_000169.3 (MANE Select); coding-DNA position 612, G replaced by A.
Protein change: p.Trp204Ter; replaces tryptophan 204 with a stop codon.
Molecular consequence: nonsense. On other transcripts: non-coding transcript variant (2), intron variant (2).
Genome position (GRCh38, 1-based): chrX:101,400,693, C>T on the plus strand (G>A on the coding strand, the complement: GLA is on the minus strand). VCF-style: chrX-101400693-C-T. GRCh37 (hg19) VCF-style: chrX-100655681-C-T.
Other names: c.735G>A, p.Trp245Ter (NM_001406747.1); c.612G>A, p.Trp204Ter (NM_001406748.1); c.300+5236C>T (NM_001199973.2); c.177+8871C>T (NM_001199974.2); short protein forms W204*, W245*.
Identifiers: ClinVar variation 4087168 (VCV004087168.2).

ClinVar aggregate classification (germline): Pathogenic (1 of 4 stars; one submission).

Conditions:
Fabry disease. Also called: ALPHA-GALACTOSIDASE A DEFICIENCY; ANDERSON-FABRY DISEASE; CERAMIDE TRIHEXOSIDASE DEFICIENCY; GLA DEFICIENCY; HEREDITARY DYSTOPIC LIPIDOSIS; Angiokeratoma corporis diffusum. Identifiers: Orphanet 324, MedGen C0002986, MONDO:0010526, OMIM 301500, HP:0001071. Disease mechanism: Fabry disease is due to inactivating mutations in the X-linked GLA gene resulting in deficiency of the enzyme Alpha Galactosidase-A., loss of function.

Submission:

Genomenon, Inc
Classification: Pathogenic for Fabry disease. Last evaluated: 2026-09-08. Review status: criteria provided, single submitter. Criteria: Genomenon Sequence Variant Interpretation Standards - Updated. Collection method: curation. Allele origin: germline. Affected: yes.
Comment: GLA p.Trp204Ter (c.612G>A) is a nonsense variant that introduces a premature stop codon at amino acid position 204 and is predicted to result in a truncated or absent protein product. This variant has been observed in at least one proband with clinical features consistent with Fabry disease (PMID:32127409;33301762;29305833;32854306). Functional or patient cell studies have been reported (PMID:32127409;33204599). It is absent or not present at a significant frequency in gnomAD. In conclusion, we classify GLA p.Trp204Ter (c.612G>A) as a pathogenic variant.

Literature cited by the submitters: PubMed 32127409; PubMed 33301762; PubMed 29305833; PubMed 32854306; PubMed 33204599.